The following is an entry in ClinVar:

NM_002010.3(FGF9):c.*9G>A

Gene: FGF9 (fibroblast growth factor 9; plus strand). Cytogenetic location: 13q12.11.
Variant type: single nucleotide variant.
Coding change: c.*9G>A on transcript NM_002010.3 (MANE Select); 9 bases downstream of the stop codon, G replaced by A.
Molecular consequence: 3 prime UTR variant.
Genome position (GRCh38, 1-based): chr13:21,701,444, G>A. VCF-style: chr13-21701444-G-A. GRCh37 (hg19) VCF-style: chr13-22275583-G-A.
Identifiers: ClinVar variation 311426 (VCV000311426.13), dbSNP rs9509842, ClinGen allele CA6909528.

ClinVar aggregate classification (germline): Benign. Review status: criteria provided, multiple submitters, no conflicts (2 of 4 stars). 5 submissions from 5 submitters: Benign (3). 2 of the submissions do not count toward it. Last evaluated 2021-08-10.

Conditions:
Multiple synostoses syndrome 3 (SYNS3). Identifiers: Orphanet 3237, MedGen C2751826, MONDO:0013064, OMIM 612961.

Allele frequency attached by ClinVar (database versions not stated): gnomAD 0.98213 and 0.98333; ExAC 0.99482; gnomAD exomes 0.99822 and 0.99557; ESP Exome Variant Server 0.98047; 1000 Genomes Project 30x 0.98111; TOPMed 0.98110; 1000 Genomes Project 0.98183.
gnomAD v4.1: 1,608,786 of 1,614,032 alleles (100%); highest among the groups gnomAD compares: East Asian, 100%; 801,929 homozygotes.

Submissions (5):

Genome-Nilou Lab
Classification: Benign for Multiple synostoses syndrome 3. Last evaluated: 2021-08-10. Review status: criteria provided, single submitter. Criteria: ACMG Guidelines, 2015. Collection method: clinical testing. Allele origin: germline. Affected: no.

Illumina Laboratory Services, Illumina
Classification: Benign for Multiple synostoses syndrome 3. Last evaluated: 2018-01-12. Review status: criteria provided, single submitter. Criteria: ICSL Variant Classification Criteria 13 December 2019. Collection method: clinical testing. Allele origin: germline.
Comment: This variant was observed in the ICSL laboratory as part of a predisposition screen in an ostensibly healthy population. It had not been previously curated by ICSL or reported in the Human Gene Mutation Database (HGMD: prior to June 1st, 2018), and was therefore a candidate for classification through an automated scoring system. Utilizing variant allele frequency, disease prevalence and penetrance estimates, and inheritance mode, an automated score was calculated to assess if this variant is too frequent to cause the disease. Based on the score and internal cut-off values, a variant classified as benign is not then subjected to further curation. The score for this variant resulted in a classification of benign for this disease.

Breakthrough Genomics
Classification: Benign. Review status: criteria provided, single submitter. Criteria: ACMG Guidelines, 2015. Collection method: not provided. Allele origin: germline. Inheritance: Autosomal dominant inheritance. Affected: yes.

Diagnostic Laboratory, Department of Genetics, University Medical Center Groningen
Classification: Benign. Review status: no assertion criteria provided. Collection method: clinical testing. Allele origin: germline. Affected: yes. Study: VKGL Data-share Consensus. Not counted in ClinVar's aggregate classification.

Joint Genome Diagnostic Labs from Nijmegen and Maastricht, Radboudumc and MUMC+
Classification: Benign. Review status: no assertion criteria provided. Collection method: clinical testing. Allele origin: germline. Affected: yes. Study: VKGL Data-share Consensus. Not counted in ClinVar's aggregate classification.